The following is an entry in ClinVar:

NM_145290.4(ADGRA3):c.2009T>C (p.Ile670Thr)

Gene: ADGRA3 (adhesion G protein-coupled receptor A3; minus strand). Cytogenetic location: 4p15.2.
Variant type: single nucleotide variant.
Coding change: c.2009T>C on transcript NM_145290.4 (MANE Select); coding-DNA position 2009, T replaced by C.
Protein change: p.Ile670Thr; replaces isoleucine 670 with threonine.
Molecular consequence: missense variant.
Genome position (GRCh38, 1-based): chr4:22,413,615, A>G on the plus strand (T>C on the coding strand, the complement: ADGRA3 is on the minus strand). VCF-style: chr4-22413615-A-G. GRCh37 (hg19) VCF-style: chr4-22415238-A-G.
Other names: short protein forms I670T.
Identifiers: ClinVar variation 1716390 (VCV001716390.5), dbSNP rs2474730246, ClinGen allele CA356479897.

ClinVar aggregate classification (germline): Uncertain significance (1 of 4 stars; one submission).

Submission:

Labcorp Genetics (formerly Invitae), Labcorp
Classification: Uncertain significance. Last evaluated: 2023-05-15. Review status: criteria provided, single submitter. Criteria: Invitae Variant Classification Sherloc (09022015). Collection method: clinical testing. Allele origin: germline.
Comment: ClinVar contains an entry for this variant (Variation ID: 1716390). This sequence change replaces isoleucine, which is neutral and non-polar, with threonine, which is neutral and polar, at codon 670 of the ADGRA3 protein (p.Ile670Thr). This variant is not present in population databases (gnomAD no frequency). This variant has not been reported in the literature in individuals affected with ADGRA3-related conditions. In summary, the available evidence is currently insufficient to determine the role of this variant in disease. Therefore, it has been classified as a Variant of Uncertain Significance. An algorithm developed to predict the effect of missense changes on protein structure and function (PolyPhen-2) suggests that this variant is likely to be tolerated.